The following is an entry in ClinVar:

NM_001848.3(COL6A1):c.*145C>T

Gene: COL6A1 (collagen type VI alpha 1 chain; plus strand). Cytogenetic location: 21q22.3.
Variant type: single nucleotide variant.
Coding change: c.*145C>T on transcript NM_001848.3 (MANE Select); 145 bases downstream of the stop codon, C replaced by T.
Molecular consequence: 3 prime UTR variant.
Genome position (GRCh38, 1-based): chr21:46,004,158, C>T. VCF-style: chr21-46004158-C-T. GRCh37 (hg19) VCF-style: chr21-47424072-C-T.
Identifiers: ClinVar variation 340333 (VCV000340333.6), dbSNP rs183023506, ClinGen allele CA10650691.
Genomic context (GRCh38, chr21:46,004,158, plus strand): 5'-CCCGACCAACCTGATTCGCTAGATTTTTTTTAAGGAAAAGCTTGGAAAGCCAGGACACAA[C>T]GCTGCTGCCTGCTTTGTGCAGGGTCCTCCGGGGCTCAGCCCTGAGTTGGCATCACCTGCG-3'

ClinVar aggregate classification (germline): Benign. Review status: criteria provided, multiple submitters, no conflicts (2 of 4 stars). 2 submissions from 2 submitters: Benign (2). Last evaluated 2018-01-12.

Conditions:
Collagen 6-related myopathy. Identifiers: MedGen CN117976, MONDO:0100225.

Allele frequency attached by ClinVar (database versions not stated): gnomAD 0.00027 and 0.00040; TOPMed 0.00044; gnomAD exomes 0.00066; 1000 Genomes Project 0.00120; 1000 Genomes Project 30x 0.00125.
gnomAD v4.1: 719 of 1,137,622 alleles (0.063%); highest among the groups gnomAD compares: Middle Eastern, 0.5%; 7 homozygotes.

Submissions (2):

Illumina Laboratory Services, Illumina
Classification: Benign for Collagen VI-related myopathy. Last evaluated: 2018-01-12. Review status: criteria provided, single submitter. Criteria: ICSL Variant Classification Criteria 13 December 2019. Collection method: clinical testing. Allele origin: germline.
Comment: This variant was observed in the ICSL laboratory as part of a predisposition screen in an ostensibly healthy population. It had not been previously curated by ICSL or reported in the Human Gene Mutation Database (HGMD: prior to June 1st, 2018), and was therefore a candidate for classification through an automated scoring system. Utilizing variant allele frequency, disease prevalence and penetrance estimates, and inheritance mode, an automated score was calculated to assess if this variant is too frequent to cause the disease. Based on the score and internal cut-off values, a variant classified as benign is not then subjected to further curation. The score for this variant resulted in a classification of benign for this disease.

Breakthrough Genomics
Classification: Benign. Review status: criteria provided, single submitter. Criteria: ACMG Guidelines, 2015. Collection method: not provided. Allele origin: germline. Inheritance: Autosomal recessive inheritance. Affected: yes.